The following is an entry in ClinVar:

NM_000238.4(KCNH2):c.3228C>T (p.Pro1076=)

Gene: KCNH2 (potassium voltage-gated channel subfamily H member 2; minus strand). Cytogenetic location: 7q36.1.
Variant type: single nucleotide variant.
Coding change: c.3228C>T on transcript NM_000238.4 (MANE Select); coding-DNA position 3228, C replaced by T.
Protein change: p.Pro1076=; no amino-acid change (proline 1076 retained).
Molecular consequence: synonymous variant.
Genome position (GRCh38, 1-based): chr7:150,946,979, G>A on the plus strand (C>T on the coding strand, the complement: KCNH2 is on the minus strand). VCF-style: chr7-150946979-G-A. GRCh37 (hg19) VCF-style: chr7-150644067-G-A.
Other names: c.2208C>T, p.Pro736= (NM_172057.3); c.3228C>T (NM_000238.2).
Identifiers: ClinVar variation 413328 (VCV000413328.51), dbSNP rs41312087, ClinGen allele CA037985.

ClinVar aggregate classification (germline): Benign/Likely benign. Review status: criteria provided, multiple submitters, no conflicts (2 of 4 stars). 8 submissions from 8 submitters: Benign (2); Likely benign (5). 1 of the submissions does not count toward it. Last evaluated 2025-11-25.

Conditions:
KCNH2-related disorder. Also called: KCNH2-related disorders; KCNH2-related condition.
Cardiovascular phenotype. Identifiers: MedGen CN230736.
Cardiac arrhythmia. Also called: Cardiac rhythm disease; Arrhythmia. Identifiers: MedGen C0003811, MONDO:0007263, HP:0011675.
Long QT syndrome (LQTS). Identifiers: MedGen C0023976, MeSH D008133, MONDO:0002442. Disease mechanism: loss of function. Inheritance: Various modes of inheritance.
Long QT syndrome 2 (LQT2). Identifiers: Orphanet 101016, Orphanet 768, MedGen C3150943, MONDO:0013367, OMIM 613688.

Allele frequency attached by ClinVar (database versions not stated): ESP Exome Variant Server 0.00008; gnomAD 0.00009 and 0.00012; TOPMed 0.00010; gnomAD exomes 0.00013 and 0.00016; ExAC 0.00017.
gnomAD v4.1: 207 of 1,610,286 alleles (0.013%); highest among the groups gnomAD compares: East Asian, 0.41%; 1 homozygote.

Submissions (8):

Labcorp Genetics (formerly Invitae), Labcorp
Classification: Benign for Long QT syndrome. Last evaluated: 2025-11-25. Review status: criteria provided, single submitter. Criteria: Invitae Variant Classification Sherloc (09022015). Collection method: clinical testing. Allele origin: germline.

Blueprint Genetics
Classification: Likely benign. Last evaluated: 2023-12-18. Review status: criteria provided, single submitter. Criteria: ACMG Guidelines, 2015. Collection method: clinical testing. Allele origin: germline.

CeGaT Center for Human Genetics Tuebingen
Classification: Likely benign. Last evaluated: 2023-06-01. Review status: criteria provided, single submitter. Criteria: CeGaT Center For Human Genetics Tuebingen Variant Classification Criteria Version 2. Collection method: clinical testing. Allele origin: germline. Affected: yes. Observed: 1 variant allele.
Comment: KCNH2: BP4, BP7, BS1

GeneDx
Classification: Likely benign. Last evaluated: 2019-06-07. Review status: criteria provided, single submitter. Criteria: GeneDx Variant Classification Process June 2021. Collection method: clinical testing. Allele origin: germline. Affected: yes.

Color Diagnostics, LLC DBA Color Health
Classification: Benign for Arrhythmia. Last evaluated: 2018-11-08. Review status: criteria provided, single submitter. Criteria: ACMG Guidelines, 2015. Collection method: clinical testing. Allele origin: germline.

Illumina Laboratory Services, Illumina
Classification: Likely benign for Long QT syndrome 2. Last evaluated: 2018-01-13. Review status: criteria provided, single submitter. Criteria: ICSL Variant Classification Criteria 13 December 2019. Collection method: clinical testing. Allele origin: germline.
Comment: This variant was observed in the ICSL laboratory as part of a predisposition screen in an ostensibly healthy population. It had not been previously curated by ICSL or reported in the Human Gene Mutation Database (HGMD: prior to June 1st, 2018), and was therefore a candidate for classification through an automated scoring system. Utilizing variant allele frequency, disease prevalence and penetrance estimates, and inheritance mode, an automated score was calculated to assess if this variant is too frequent to cause the disease. Based on the score and internal cut-off values, a variant classified as likely benign is not then subjected to further curation. The score for this variant resulted in a classification of likely benign for this disease.

Ambry Genetics
Classification: Likely benign for Cardiovascular phenotype. Last evaluated: 2015-08-07. Review status: criteria provided, single submitter. Criteria: Ambry Variant Classification Scheme 2023. Collection method: clinical testing. Allele origin: germline.

PreventionGenetics, part of Exact Sciences
Classification: Likely benign for KCNH2-related condition. Last evaluated: 2019-04-10. Review status: no assertion criteria provided. Collection method: clinical testing. Allele origin: germline. Not counted in ClinVar's aggregate classification.
Comment: This variant is classified as likely benign based on ACMG/AMP sequence variant interpretation guidelines (Richards et al. 2015 PMID: 25741868, with internal and published modifications).